The following is an entry in ClinVar:

NM_014797.3(ZBTB24):c.4G>T (p.Ala2Ser)

Gene: ZBTB24 (zinc finger and BTB domain containing 24; minus strand). Cytogenetic location: 6q21.
Variant type: single nucleotide variant.
Coding change: c.4G>T on transcript NM_014797.3 (MANE Select); coding-DNA position 4, G replaced by T.
Protein change: p.Ala2Ser; replaces alanine 2 with serine.
Molecular consequence: missense variant.
Genome position (GRCh38, 1-based): chr6:109,482,023, C>A on the plus strand (G>T on the coding strand, the complement: ZBTB24 is on the minus strand). VCF-style: chr6-109482023-C-A. GRCh37 (hg19) VCF-style: chr6-109803226-C-A.
Other names: c.4G>T, p.Ala2Ser (NM_001164313.2); short protein forms A2S.
Identifiers: ClinVar variation 2085137 (VCV002085137.3), dbSNP rs1206688312, ClinGen allele CA365213001.

ClinVar aggregate classification (germline): Uncertain significance. Review status: criteria provided, multiple submitters, no conflicts (2 of 4 stars). 2 submissions from 2 submitters: Uncertain significance (2). Last evaluated 2025-12-21.

Conditions:
Inborn genetic diseases. Identifiers: MedGen C0950123, MeSH D030342.
Immunodeficiency-centromeric instability-facial anomalies syndrome 2 (ICF2). Identifiers: Orphanet 2268, MedGen C3279748, MONDO:0013553, OMIM 614069.

Allele frequency attached by ClinVar (database versions not stated): TOPMed below 0.00001; gnomAD 0.00001.
gnomAD v4.1: 3 of 1,613,794 alleles (0.00019%); highest among the groups gnomAD compares: Admixed American, 0.0017%; no homozygotes.

Submissions (2):

Labcorp Genetics (formerly Invitae), Labcorp
Classification: Uncertain significance for Immunodeficiency-centromeric instability-facial anomalies syndrome 2. Last evaluated: 2025-12-21. Review status: criteria provided, single submitter. Criteria: Invitae Variant Classification Sherloc (09022015). Collection method: clinical testing. Allele origin: germline.
Comment: This sequence change replaces alanine, which is neutral and non-polar, with serine, which is neutral and polar, at codon 2 of the ZBTB24 protein (p.Ala2Ser). This variant is not present in population databases (gnomAD no frequency). This variant has not been reported in the literature in individuals affected with ZBTB24-related conditions. ClinVar contains an entry for this variant (Variation ID: 2085137). An algorithm developed to predict the effect of missense changes on protein structure and function (PolyPhen-2) suggests that this variant is likely to be disruptive. In summary, the available evidence is currently insufficient to determine the role of this variant in disease. Therefore, it has been classified as a Variant of Uncertain Significance.

Ambry Genetics
Classification: Uncertain significance for Inborn genetic diseases. Last evaluated: 2022-06-24. Review status: criteria provided, single submitter. Criteria: Ambry Variant Classification Scheme 2023. Collection method: clinical testing. Allele origin: germline.